The following is an entry in ClinVar:

NM_001378454.1(ALMS1):c.4847G>A (p.Gly1616Asp)

Gene: ALMS1 (ALMS1 centrosome and basal body associated protein; plus strand). Cytogenetic location: 2p13.1.
Variant type: single nucleotide variant.
Coding change: c.4847G>A on transcript NM_001378454.1 (MANE Select); coding-DNA position 4847, G replaced by A.
Protein change: p.Gly1616Asp; replaces glycine 1616 with aspartic acid.
Molecular consequence: missense variant.
Genome position (GRCh38, 1-based): chr2:73,451,374, G>A. VCF-style: chr2-73451374-G-A. GRCh37 (hg19) VCF-style: chr2-73678501-G-A.
Other names: c.4850G>A, p.Gly1617Asp (NM_015120.4); short protein forms G1616D, G1617D.
Identifiers: ClinVar variation 1984491 (VCV001984491.1), dbSNP rs778639019, ClinGen allele CA1713777.
Genomic context (GRCh38, chr2:73,451,374, plus strand): 5'-AAGTTTCCATTGTTTCTGGACCTACTGAAAAAAAGACTGACATACCAGCAGGACCTTTAG[G>A]TTCCAGTGCACTTGGAGAGAAGCCCATTACTTTCTACCGGCAGGCTCTGCTAGACAGTCC-3'
Protein context (NP_001365383.1, residues 1606-1626): KKTDIPAGPL[Gly1616Asp]SSALGEKPIT

ClinVar aggregate classification (germline): Uncertain significance (1 of 4 stars; one submission).

Conditions:
Alstrom syndrome (ALMS). Identifiers: Orphanet 64, MedGen C0268425, MONDO:0008763, OMIM 203800.

Allele frequency attached by ClinVar (database versions not stated): TOPMed below 0.00001; gnomAD 0.00001; ExAC 0.00006.
gnomAD v4.1: 33 of 1,613,270 alleles (0.002%); highest among the groups gnomAD compares: South Asian, 0.032%; no homozygotes.

Submission:

Labcorp Genetics (formerly Invitae), Labcorp
Classification: Uncertain significance for Alstrom syndrome. Last evaluated: 2021-04-23. Review status: criteria provided, single submitter. Criteria: Invitae Variant Classification Sherloc (09022015). Collection method: clinical testing. Allele origin: germline.
Comment: This sequence change replaces glycine with aspartic acid at codon 1617 of the ALMS1 protein (p.Gly1617Asp). The glycine residue is weakly conserved and there is a moderate physicochemical difference between glycine and aspartic acid. This variant is present in population databases (rs778639019, ExAC 0.04%). This variant has not been reported in the literature in individuals with ALMS1-related conditions. Experimental studies and prediction algorithms are not available or were not evaluated, and the functional significance of this variant is currently unknown. In summary, the available evidence is currently insufficient to determine the role of this variant in disease. Therefore, it has been classified as a Variant of Uncertain Significance.